The following is an entry in ClinVar:

ClinVar aggregate classification (germline): Pathogenic. Review status: criteria provided, multiple submitters, no conflicts (2 of 4 stars). 4 submissions from 4 submitters: Pathogenic (4). Last evaluated 2026-05-26.

Conditions:
Autism spectrum disorder due to AUTS2 deficiency (MRD26). Also called: INTELLECTUAL DEVELOPMENTAL DISORDER, AUTOSOMAL DOMINANT 26. Identifiers: Orphanet 352490, MedGen C4014435, MONDO:0014361, OMIM 615834.

Submissions (4):

GeneDx
Classification: Pathogenic. Last evaluated: 2026-05-26. Review status: criteria provided, single submitter. Criteria: GeneDx Variant Classification Process June 2021. Collection method: clinical testing. Allele origin: germline.
Comment: Frameshift variant predicted to result in protein truncation or nonsense mediated decay in a gene for which loss of function is a known mechanism of disease; Not observed at significant frequency in large population cohorts (gnomAD); This variant is associated with the following publications: (PMID: 34573342, 33767182, 31618753)

Labcorp Genetics (formerly Invitae), Labcorp
Classification: Pathogenic. Last evaluated: 2024-05-29. Review status: criteria provided, single submitter. Criteria: Invitae Variant Classification Sherloc (09022015). Collection method: clinical testing. Allele origin: germline.
Comment: This sequence change creates a premature translational stop signal (p.Leu433Profs*40) in the AUTS2 gene. It is expected to result in an absent or disrupted protein product. Loss-of-function variants in AUTS2 are known to be pathogenic (PMID: 25205402, 27075013). This variant is not present in population databases (gnomAD no frequency). This premature translational stop signal has been observed in individual(s) with AUTS2-related conditions (PMID: 31618753). ClinVar contains an entry for this variant (Variation ID: 373078). For these reasons, this variant has been classified as Pathogenic.

Institute of Human Genetics, University of Leipzig Medical Center
Classification: Pathogenic for Autism spectrum disorder due to AUTS2 deficiency. Last evaluated: 2021-03-04. Review status: criteria provided, single submitter. Criteria: ACMG Guidelines, 2015. Collection method: clinical testing. Allele origin: unknown. Affected: yes.

Laboratory of Molecular Genetics (Pr. Bezieau's lab), CHU de Nantes
Classification: Pathogenic. Last evaluated: 2018-12-26. Review status: criteria provided, single submitter. Criteria: ACMG Guidelines, 2015. Collection method: clinical testing. Allele origin: germline. Affected: yes.

Literature cited by the submitters: PubMed 25205402 (cited by Labcorp Genetics (formerly Invitae), Labcorp); PubMed 27075013 (cited by Labcorp Genetics (formerly Invitae), Labcorp); PubMed 31618753 (cited by Labcorp Genetics (formerly Invitae), Labcorp).

NM_015570.4(AUTS2):c.1298del (p.Leu433fs)

Gene: AUTS2 (activator of transcription and developmental regulator AUTS2; plus strand). Cytogenetic location: 7q11.22.
Variant type: Deletion.
Coding change: c.1298del on transcript NM_015570.4 (MANE Select); coding-DNA position 1298, one base deleted (T; older notation c.1298delT).
Protein change: p.Leu433fs; shifts the reading frame from leucine 433.
Molecular consequence: frameshift variant.
Genome position (GRCh38, 1-based): chr7:70,764,835, T deleted. VCF-style (leftmost placement, unchanged base first): chr7-70764834-CT-C. GRCh37 (hg19) VCF-style: chr7-70229820-CT-C.
Other names: c.1298del, p.Leu433fs (NM_001127231.3); c.1298del (NM_015570.2); short protein forms L433fs.
Identifiers: ClinVar variation 373078 (VCV000373078.7), dbSNP rs1057518198, ClinGen allele CA16042592.
Genomic context (GRCh38, chr7:70,764,834, plus strand): 5'-GCGAAGACTCAGCCCGCCCCACCTCACATCTCCCACCACCCCTCTGCCTCCCCGTTCCCC[CT>C]CTCCCTGCCCAACCACAGCCCCCTGCACAGCTTCACACCCACCCTCCAGCCCCCCGCACA-3'